The following is an entry in ClinVar:

NM_001365999.1(SZT2):c.4619A>T (p.Asp1540Val)

Gene: SZT2 (SZT2 subunit of KICSTOR complex; plus strand). Cytogenetic location: 1p34.2.
Variant type: single nucleotide variant.
Coding change: c.4619A>T on transcript NM_001365999.1 (MANE Select); coding-DNA position 4619, A replaced by T.
Protein change: p.Asp1540Val; replaces aspartic acid 1540 with valine.
Molecular consequence: missense variant.
Genome position (GRCh38, 1-based): chr1:43,430,634, A>T. VCF-style: chr1-43430634-A-T. GRCh37 (hg19) VCF-style: chr1-43896305-A-T.
Other names: c.4448A>T, p.Asp1483Val (NM_015284.4); short protein forms D1540V, D1483V.
Identifiers: ClinVar variation 1913499 (VCV001913499.5), dbSNP rs2545826945, ClinGen allele CA340022327.

ClinVar aggregate classification (germline): Uncertain significance (1 of 4 stars; one submission).

gnomAD v4.1: 1 of 1,614,194 alleles (0.000062%); no homozygotes.

Submission:

Labcorp Genetics (formerly Invitae), Labcorp
Classification: Uncertain significance. Last evaluated: 2022-02-28. Review status: criteria provided, single submitter. Criteria: Invitae Variant Classification Sherloc (09022015). Collection method: clinical testing. Allele origin: germline.
Comment: This sequence change replaces aspartic acid, which is acidic and polar, with valine, which is neutral and non-polar, at codon 1483 of the SZT2 protein (p.Asp1483Val). This variant is not present in population databases (gnomAD no frequency). This variant has not been reported in the literature in individuals affected with SZT2-related conditions. Algorithms developed to predict the effect of missense changes on protein structure and function (SIFT, PolyPhen-2, Align-GVGD) all suggest that this variant is likely to be disruptive. In summary, the available evidence is currently insufficient to determine the role of this variant in disease. Therefore, it has been classified as a Variant of Uncertain Significance.